The following is an entry in ClinVar:

ClinVar aggregate classification (germline): Likely benign. Review status: criteria provided, multiple submitters, no conflicts (2 of 4 stars). 4 submissions from 4 submitters: Likely benign (3). 1 of the submissions does not count toward it. Last evaluated 2025-06-08.

Conditions:
Bardet-Biedl syndrome 20. Identifiers: MedGen C4310707, MONDO:0023670, OMIM 619471, MONDO:0014926.
Short-rib thoracic dysplasia 10 with or without polydactyly (SRTD10). Identifiers: Orphanet 474, MedGen C3810175, MONDO:0014284, OMIM 615630.
Retinitis pigmentosa 71 (RP71). Identifiers: Orphanet 791, MedGen C4225342, MONDO:0014618, OMIM 616394.
IFT172-related disorder. Also called: IFT172-related disorders; IFT172-related condition.

Allele frequency attached by ClinVar (database versions not stated): TOPMed 0.00001; ExAC 0.00002; gnomAD exomes 0.00002 and 0.00003; gnomAD 0.00003.
gnomAD v4.1: 55 of 1,614,044 alleles (0.0034%); highest among the groups gnomAD compares: Middle Eastern, 0.033%; no homozygotes.

Submissions (4):

Labcorp Genetics (formerly Invitae), Labcorp
Classification: Likely benign for Retinitis pigmentosa 71; Short-rib thoracic dysplasia 10 with or without polydactyly. Last evaluated: 2025-06-08. Review status: criteria provided, single submitter. Criteria: Invitae Variant Classification Sherloc (09022015). Collection method: clinical testing. Allele origin: germline.

Blueprint Genetics
Classification: Likely benign. Last evaluated: 2023-09-11. Review status: criteria provided, single submitter. Criteria: ACMG Guidelines, 2015. Collection method: clinical testing. Allele origin: germline.

Fulgent Genetics
Classification: Likely benign for Short-rib thoracic dysplasia 10 with or without polydactyly; Retinitis pigmentosa 71; Bardet-Biedl syndrome 20. Last evaluated: 2022-03-16. Review status: criteria provided, single submitter. Criteria: ACMG Guidelines, 2015. Collection method: clinical testing. Allele origin: unknown.

PreventionGenetics, part of Exact Sciences
Classification: Likely benign for IFT172-related condition. Last evaluated: 2019-07-18. Review status: no assertion criteria provided. Collection method: clinical testing. Allele origin: germline. Not counted in ClinVar's aggregate classification.
Comment: This variant is classified as likely benign based on ACMG/AMP sequence variant interpretation guidelines (Richards et al. 2015 PMID: 25741868, with internal and published modifications).

NM_015662.3(IFT172):c.456G>A (p.Glu152=)

Gene: IFT172 (intraflagellar transport 172; minus strand). Cytogenetic location: 2p23.3.
Variant type: single nucleotide variant.
Coding change: c.456G>A on transcript NM_015662.3 (MANE Select); coding-DNA position 456, G replaced by A.
Protein change: p.Glu152=; no amino-acid change (glutamic acid 152 retained).
Molecular consequence: synonymous variant.
Genome position (GRCh38, 1-based): chr2:27,483,606, C>T on the plus strand (G>A on the coding strand, the complement: IFT172 is on the minus strand). VCF-style: chr2-27483606-C-T. GRCh37 (hg19) VCF-style: chr2-27706473-C-T.
Other names: c.456G>A (NM_015662.2).
Identifiers: ClinVar variation 1586427 (VCV001586427.12), dbSNP rs771141815, ClinGen allele CA1580980.
Genomic context (GRCh38, chr2:27,483,606, plus strand): 5'-CCAGACTCTAGTGATACTACTCCTCTTTACTCACTTTGTTGTCAGGGACACCACGTAAGA[C>T]TCTGTCCCATAGATGGTAGATGATTTATTAGTTTTGGTGTTTGCTAAACGAACCTGAAAA-3'
Protein context (NP_056477.1, residues 142-162): TNKSSTIYGT[Glu152=]SYVVSLTTNC